The following is an entry in ClinVar:

NM_000257.4(MYH7):c.4481A>T (p.His1494Leu)

Genes: MHRT (myosin heavy chain associated RNA transcript; plus strand), MYH7 (myosin heavy chain 7; minus strand). Cytogenetic location: 14q11.2.
Variant type: single nucleotide variant.
Coding change: c.4481A>T on transcript NM_000257.4 (MANE Select); coding-DNA position 4481, A replaced by T.
Protein change: p.His1494Leu; replaces histidine 1494 with leucine.
Molecular consequence: missense variant.
Genome position (GRCh38, 1-based): chr14:23,417,191, T>A on the plus strand (A>T on the coding strand, the complement: MYH7 is on the minus strand). VCF-style: chr14-23417191-T-A. GRCh37 (hg19) VCF-style: chr14-23886400-T-A.
Other names: short protein forms H1494L.
Identifiers: ClinVar variation 180072 (VCV000180072.34), dbSNP rs727505329, ClinGen allele CA015015.
Genomic context (GRCh38, chr14:23,417,191, plus strand): 5'-GCCTCTTGGGCCCCCAGCACACCCTGCAGGTTTTTGTTCTCCCGCTTGAAGGTCTCCAGA[T>A]GTTCCAGGGACTCCTCATAGGCGTTCTTGAGTTTGAAGAGCTCTGTGCTGAGGGAGCGAG-3'
Protein context (NP_000248.2, residues 1484-1504): LKNAYEESLE[His1494Leu]LETFKRENKN

ClinVar aggregate classification (germline): Uncertain significance. Review status: criteria provided, multiple submitters, no conflicts (2 of 4 stars). 10 submissions from 10 submitters: Uncertain significance (10). Last evaluated 2025-10-02.

Conditions:
Cardiovascular phenotype. Identifiers: MedGen CN230736.
Cardiomyopathy (CMYO). Also called: Cardiomyopathies. Identifiers: Orphanet 167848, MedGen C0878544, MONDO:0004994, HP:0001638. Inheritance: Various modes of inheritance.
Hypertrophic cardiomyopathy. Also called: HYPERTROPHIC MYOCARDIOPATHY. Identifiers: Orphanet 217569, MedGen C0007194, MeSH D002312, MONDO:0005045, HP:0001639.

Allele frequency attached by ClinVar (database versions not stated): ExAC 0.00002; gnomAD exomes below 0.00001 and 0.00001; TOPMed below 0.00001; gnomAD 0.00001.
gnomAD v4.1: 12 of 1,614,104 alleles (0.00074%); highest among the groups gnomAD compares: Non-Finnish European, 0.001%; no homozygotes.

Submissions (10):

Labcorp Genetics (formerly Invitae), Labcorp
Classification: Uncertain significance for Hypertrophic cardiomyopathy. Last evaluated: 2025-10-02. Review status: criteria provided, single submitter. Criteria: Invitae Variant Classification Sherloc (09022015). Collection method: clinical testing. Allele origin: germline.
Comment: This sequence change replaces histidine, which is basic and polar, with leucine, which is neutral and non-polar, at codon 1494 of the MYH7 protein (p.His1494Leu). This variant is present in population databases (rs727505329, gnomAD 0.002%). This missense change has been observed in individual(s) with hypertrophic cardiomyopathy (PMID: 24111713, 37937776). ClinVar contains an entry for this variant (Variation ID: 180072). Invitae Evidence Modeling of protein sequence and biophysical properties (such as structural, functional, and spatial information, amino acid conservation, physicochemical variation, residue mobility, and thermodynamic stability) has been performed for this missense variant. However, the output from this modeling did not meet the statistical confidence thresholds required to predict the impact of this variant on MYH7 protein function. In summary, the available evidence is currently insufficient to determine the role of this variant in disease. Therefore, it has been classified as a Variant of Uncertain Significance.

Ambry Genetics
Classification: Uncertain significance for Cardiovascular phenotype. Last evaluated: 2025-06-17. Review status: criteria provided, single submitter. Criteria: Ambry Variant Classification Scheme 2023. Collection method: clinical testing. Allele origin: germline.
Comment: The p.H1494L variant (also known as c.4481A>T), located in coding exon 30 of the MYH7 gene, results from an A to T substitution at nucleotide position 4481. The histidine at codon 1494 is replaced by leucine, an amino acid with similar properties. This variant has been reported in hypertrophic cardiomyopathy (HCM), dilated cardiomyopathy (DCM), biobank and reportedly healthy cohorts (Berge KE et al. Clin Genet, 2014 Oct;86:355-60; Park J et al. Hum Mol Genet, 2022 Mar;31:827-837; Homburger JR et al. Proc Natl Acad Sci U S A, 2016 Jun;113:6701-6; Voinescu OR et al. Int J Mol Sci, 2024 Feb;25:). This amino acid position is highly conserved in available vertebrate species. In addition, the in silico prediction for this alteration is inconclusive. Based on the available evidence, the clinical significance of this variant remains unclear.

CeGaT Center for Human Genetics Tuebingen
Classification: Uncertain significance. Last evaluated: 2025-02-01. Review status: criteria provided, single submitter. Criteria: CeGaT Center For Human Genetics Tuebingen Variant Classification Criteria Version 2. Collection method: clinical testing. Allele origin: germline. Affected: yes. Observed: 1 variant allele.
Comment: MYH7: PM2, PP3

Blueprint Genetics
Classification: Uncertain significance. Last evaluated: 2024-11-22. Review status: criteria provided, single submitter. Criteria: ACMG Guidelines, 2015. Collection method: clinical testing. Allele origin: germline.

All of Us Research Program, National Institutes of Health
Classification: Uncertain significance for Cardiomyopathy. Last evaluated: 2024-07-10. Review status: criteria provided, single submitter. Criteria: ACMG Guidelines, 2015. Collection method: clinical testing. Allele origin: germline. Inheritance: Autosomal dominant inheritance. Observed: 3 variant alleles, 3 heterozygotes.
Comment: This missense variant replaces histidine with leucine at codon 1494 of the MYH7 protein. Computational prediction tool suggests that this variant may have deleterious impact on protein structure and function (internally defined REVEL score threshold >=0.7, PMID: 27666373). Splice site prediction tools suggest that this variant may not impact RNA splicing. To our knowledge, functional studies have not been performed for this variant. This variant has been reported in an individual affected with hypertrophic cardiomyopathy (PMID 24111713). This variant has been identified in 2/282874 chromosomes in the general population by the Genome Aggregation Database (gnomAD). The available evidence is insufficient to determine the role of this variant in disease conclusively. Therefore, this variant is classified as a Variant of Uncertain Significance.

This study involves interpretation of variants in research participants for the purpose of population health screening. Participant phenotype was not available at the time of variant classification. Additional details can be found in publication PMID: 35346344, PMCID: PMC8962531

Color Diagnostics, LLC DBA Color Health
Classification: Uncertain significance for Cardiomyopathy. Last evaluated: 2024-06-13. Review status: criteria provided, single submitter. Criteria: ACMG Guidelines, 2015. Collection method: clinical testing. Allele origin: germline.
Comment: This missense variant replaces histidine with leucine at codon 1494 of the MYH7 protein. Computational prediction tools indicate that this variant has a deleterious impact on protein structure and function. To our knowledge, functional studies have not been reported for this variant. This variant has been reported in an individual affected with hypertrophic cardiomyopathy (PMID 24111713). This variant has been identified in 2/282874 chromosomes in the general population by the Genome Aggregation Database (gnomAD). The available evidence is insufficient to determine the role of this variant in disease conclusively. Therefore, this variant is classified as a Variant of Uncertain Significance.

GeneDx
Classification: Uncertain significance. Last evaluated: 2023-03-24. Review status: criteria provided, single submitter. Criteria: GeneDx Variant Classification Process June 2021. Collection method: clinical testing. Allele origin: germline. Affected: yes.
Comment: Reported in association with cardiomyopathy (Berge et al., 2014; Stava et al., 2022); Not observed at significant frequency in large population cohorts (gnomAD); In silico analysis supports that this missense variant has a deleterious effect on protein structure/function; This variant is associated with the following publications: (PMID: 35653365, 34542152, 24111713)

Revvity Omics, Revvity
Classification: Uncertain significance. Last evaluated: 2020-10-08. Review status: criteria provided, single submitter. Criteria: ACMG Guidelines, 2015. Collection method: clinical testing. Allele origin: germline.

CHEO Genetics Diagnostic Laboratory, Children's Hospital of Eastern Ontario
Classification: Uncertain significance for Cardiomyopathy. Last evaluated: 2018-06-27. Review status: criteria provided, single submitter. Criteria: ACMG Guidelines, 2015. Collection method: clinical testing. Allele origin: germline.

Laboratory for Molecular Medicine, Mass General Brigham Personalized Medicine
Classification: Uncertain significance. Last evaluated: 2015-06-22. Review status: criteria provided, single submitter. Criteria: LMM Criteria. Collection method: clinical testing. Allele origin: germline. Observed: 1 variant allele.
Comment: Variant classified as Uncertain Significance - Favor Benign. This variant has been identified in 2/66740 European chromosomes by the Exome Aggregation Consort ium (ExAC; dbSNP rs727505329). The p.His1494Leu variant was predicted to be benign using a computational tool clinically validat ed by our laboratory. This tool's benign prediction is estimated to be correct 8 9% of the time (Jordan 2011). In summary, while the clinical significance of the p.His1494Leu variant is uncertain, these data suggest that it is more likely to be benign.

Literature cited by the submitters: PubMed 24111713 (cited by 4 submitters); PubMed 37937776 (cited by Labcorp Genetics (formerly Invitae), Labcorp); PubMed 27247418 (cited by Ambry Genetics); PubMed 34542152 (cited by Ambry Genetics); PubMed 38473809 (cited by Ambry Genetics).